The following is an entry in ClinVar:

NM_016955.5(SEPSECS):c.808dup

Gene: SEPSECS (Sep (O-phosphoserine) tRNA:Sec (selenocysteine) tRNA synthase; minus strand). Cytogenetic location: 4p15.2.
Variant type: Duplication.
Coding change: c.808dup on transcript NM_016955.5; coding-DNA position 808, one base duplicated (G; older notation c.808dupG).
Molecular consequence: splice acceptor variant (on NM_016955.4).
Genome position (GRCh38, 1-based): chr4:25,145,130, C duplicated on the plus strand (G on the coding strand, the reverse complement: SEPSECS is on the minus strand); the first of 5 consecutive C bases (chr4:25,145,130-25,145,134); duplicating any one gives the same sequence. VCF-style (leftmost placement, unchanged base first): chr4-25145129-G-GC. GRCh37 (hg19) VCF-style: chr4-25146751-G-GC.
Other names: c.808dupG (NM_016955.4, NM_016955.3); c.808dup (NM_016955.4).
Identifiers: ClinVar variation 279890 (VCV000279890.27), dbSNP rs776969714, ClinGen allele CA2877337.
Genomic context (GRCh38, chr4:25,145,129, plus strand): 5'-ACTGGAACCATAAAATTTTTGTCCAAGCTCTGAACAAAAGCATCTATTCTACCAACTCGA[G>GC]CCCCCTGGAATCAATATGATATTACATATTAGTTGCTAGGAAAACAGACAACTGCTATTA-3'

ClinVar aggregate classification (germline): Pathogenic/Likely pathogenic. Review status: criteria provided, multiple submitters, no conflicts (2 of 4 stars). 12 submissions from 12 submitters: Pathogenic (11); Likely pathogenic (1). Last evaluated 2026-01-26.

Conditions:
Pontocerebellar hypoplasia type 2D (PCH2D). Also called: Progressive cerebello-cerebral atrophy. Identifiers: Orphanet 247198, Orphanet 2524, MedGen C3151140, MONDO:0013438, OMIM 613811.
SEPSECS-related disorder. Also called: SEPSECS-related condition.
Inborn genetic diseases. Identifiers: MedGen C0950123, MeSH D030342.
Pontoneocerebellar hypoplasia. Also called: Pontocerebellar hypoplasia; Non-syndromic pontocerebellar hypoplasia. Identifiers: Orphanet 98523, MedGen C1261175, MONDO:0020135.

Submissions (12):

Natera, Inc.
Classification: Pathogenic for Pontocerebellar hypoplasia type 2d. Last evaluated: 2026-01-26. Review status: criteria provided, single submitter. Criteria: Natera Variant Classification Schema (03/2026). Collection method: clinical testing. Allele origin: germline.
Comment: The c.808dupG variant in SEPSECS is a frameshift variant predicted to shift the reading frame beginning at codon 270 and leads to a stop codon 5 codons downstream. This variant is expected to result in nonsense mediated decay, truncation, or a dysfunctional protein product. This variant is rare in the general population with a frequency below the threshold expected for the associated phenotype(s). This variant has been observed in one or more individuals affected with the associated recessive disease, as either homozygous or compound heterozygous with a second variant (PMID: 34234304). Given the available evidence, this variant is classified as Pathogenic.

Women's Health and Genetics/Laboratory Corporation of America, LabCorp
Classification: Pathogenic for Pontoneocerebellar hypoplasia. Last evaluated: 2025-10-06. Review status: criteria provided, single submitter. Criteria: LabCorp Variant Classification Summary - May 2015. Collection method: clinical testing. Allele origin: germline.
Comment: Variant summary: SEPSECS c.808dupG (p.Ala270GlyfsX5) results in a premature termination codon, predicted to cause a truncation of the encoded protein or absence of the protein due to nonsense mediated decay, which are commonly known mechanisms for disease. The variant allele was found at a frequency of 1.6e-05 in 250496 control chromosomes. To our knowledge, no occurrence of c.808dupG in individuals affected with SEPSECS-related conditions and no experimental evidence demonstrating its impact on protein function have been reported. ClinVar contains an entry for this variant (Variation ID: 279890). Based on the evidence outlined above, the variant was classified as pathogenic.

GeneDx
Classification: Pathogenic. Last evaluated: 2025-04-08. Review status: criteria provided, single submitter. Criteria: GeneDx Variant Classification Process June 2021. Collection method: clinical testing. Allele origin: germline. Affected: yes.
Comment: Observed with a second variant on the opposite allele (in trans) in a patient with global developmental delay, hypotonia, cerebral atrophy, hypomyelination, and cortical visual impairment in the published literature (PMID: 31607746); Frameshift variant predicted to result in protein truncation or nonsense mediated decay in a gene for which loss of function is a known mechanism of disease; Not observed at significant frequency in large population cohorts (gnomAD); This variant is associated with the following publications: (PMID: 31589614, 34234304, 31607746)

First Genomix Gene Laboratory, Genetic Diagnostics Department
Classification: Pathogenic for Pontocerebellar hypoplasia type 2D. Last evaluated: 2025-03-19. Review status: criteria provided, single submitter. Criteria: ACMG Guidelines, 2015. Collection method: clinical testing. Allele origin: germline. Inheritance: Autosomal recessive inheritance. Affected: no. Observed: 1 variant allele.

Revvity Omics, Revvity
Classification: Pathogenic for Pontocerebellar hypoplasia type 2D. Last evaluated: 2024-09-05. Review status: criteria provided, single submitter. Criteria: ACMG Guidelines, 2015. Collection method: clinical testing. Allele origin: germline.

Fulgent Genetics
Classification: Pathogenic for Pontocerebellar hypoplasia type 2D. Last evaluated: 2024-05-06. Review status: criteria provided, single submitter. Criteria: ACMG Guidelines, 2015. Collection method: clinical testing. Allele origin: germline.

Blueprint Genetics
Classification: Pathogenic for SEPSECS-related disorders. Last evaluated: 2024-03-01. Review status: criteria provided, single submitter. Criteria: ACMG Guidelines, 2015. Collection method: clinical testing. Allele origin: germline. Affected: yes. Observed: 5 variant alleles.

Labcorp Genetics (formerly Invitae), Labcorp
Classification: Pathogenic. Last evaluated: 2024-01-29. Review status: criteria provided, single submitter. Criteria: Invitae Variant Classification Sherloc (09022015). Collection method: clinical testing. Allele origin: germline.
Comment: This sequence change creates a premature translational stop signal (p.Ala270Glyfs*5) in the SEPSECS gene. It is expected to result in an absent or disrupted protein product. Loss-of-function variants in SEPSECS are known to be pathogenic (PMID: 25558065, 25590979, 26115735). The frequency data for this variant in the population databases is considered unreliable, as metrics indicate poor data quality at this position in the gnomAD database. This variant has not been reported in the literature in individuals affected with SEPSECS-related conditions. ClinVar contains an entry for this variant (Variation ID: 279890). For these reasons, this variant has been classified as Pathogenic.

Ambry Genetics
Classification: Pathogenic for Inborn genetic diseases. Last evaluated: 2022-06-21. Review status: criteria provided, single submitter. Criteria: Ambry Variant Classification Scheme 2023. Collection method: clinical testing. Allele origin: germline.
Comment: The c.808dupG (p.A270Gfs*5) alteration, located in exon 7 (coding exon 7) of the SEPSECS gene, consists of a duplication of G at position 808, causing a translational frameshift with a predicted alternate stop codon after 5 amino acids. This alteration is expected to result in loss of function by premature protein truncation or nonsense-mediated mRNA decay. Based on data from gnomAD, the GG allele has an overall frequency of <0.01% (5/281872) total alleles studied. The highest observed frequency was <0.01% (4/128848) of European (non-Finnish) alleles. This variant was confirmed in trans with a synonymous SEPSECS variant with a predicted splicing impact in a child with global developmental delay, cerebral atrophy, dyskinesia, hypotonia, myopathic facies, cortical visual impairment, and sleep disturbance (Lee, 2020). Based on the available evidence, this alteration is classified as pathogenic.

Eurofins Ntd Llc (ga)
Classification: Likely pathogenic. Last evaluated: 2018-08-08. Review status: criteria provided, single submitter. Criteria: EGL ClinVar v180209 classification definitions. Collection method: clinical testing. Allele origin: germline.

Undiagnosed Diseases Network, NIH
Classification: Pathogenic for Pontocerebellar hypoplasia type 2D. Last evaluated: 2017-04-06. Review status: criteria provided, single submitter. Criteria: ACMG Guidelines, 2015. Collection method: clinical testing. Allele origin: paternal. Inheritance: Autosomal recessive inheritance. Affected: yes. Observed: 1 variant allele, 1 compound heterozygote. Study: Undiagnosed Diseases Network (NIH), UDN.
Comment: The c.808dupG variant in SEPSECS is a frameshift variant. The variant has been reported in other patient with similar phenotype. The variant was identifed as a compound heterozygote with c.846G>A that was shown by RNAseq to result in exon skipping that leads to a frameshift.

Laboratoire de Génétique Moléculaire, CHU Bordeaux
Classification: Pathogenic. Review status: criteria provided, single submitter. Criteria: ACMG Guidelines, 2015. Collection method: clinical testing. Allele origin: germline. Affected: yes.

Literature cited by the submitters: PubMed 34234304 (cited by Natera, Inc.); PubMed 25558065 (cited by Labcorp Genetics (formerly Invitae), Labcorp); PubMed 25590979 (cited by Labcorp Genetics (formerly Invitae), Labcorp); PubMed 26115735 (cited by Labcorp Genetics (formerly Invitae), Labcorp); PubMed 31607746 (cited by Ambry Genetics).